The following is an entry in ClinVar:

ClinVar aggregate classification (germline): Uncertain significance (1 of 4 stars; one submission).

Conditions:
Abnormality of the cardiovascular system. Identifiers: MedGen C0243050, HP:0001626.

gnomAD v4.1: 18 of 1,613,950 alleles (0.0011%); highest among the groups gnomAD compares: Non-Finnish European, 0.00068%; no homozygotes.

Submission:

Clinical Genetics Laboratory, Skane University Hospital Lund
Classification: Uncertain significance for Abnormality of the cardiovascular system. Last evaluated: 2024-07-15. Review status: criteria provided, single submitter. Criteria: ACMG Guidelines, 2015. Collection method: clinical testing. Allele origin: germline. Affected: yes.
Comment: PM2, PP3

NM_020778.5(ALPK3):c.4031A>G (p.Tyr1344Cys)

Gene: ALPK3 (alpha kinase 3; plus strand). Cytogenetic location: 15q25.3.
Variant type: single nucleotide variant.
Coding change: c.4031A>G on transcript NM_020778.5 (MANE Select); coding-DNA position 4031, A replaced by G.
Protein change: p.Tyr1344Cys; replaces tyrosine 1344 with cysteine.
Molecular consequence: missense variant.
Genome position (GRCh38, 1-based): chr15:84,859,841, A>G. VCF-style: chr15-84859841-A-G. GRCh37 (hg19) VCF-style: chr15-85403072-A-G.
Other names: short protein forms Y1344C.
Identifiers: ClinVar variation 3767878 (VCV003767878.1).